The following is an entry in ClinVar:

NM_004360.5(CDH1):c.1910A>G (p.Asn637Ser)

Gene: CDH1 (cadherin 1; plus strand). Cytogenetic location: 16q22.1.
Variant type: single nucleotide variant.
Coding change: c.1910A>G on transcript NM_004360.5 (MANE Select); coding-DNA position 1910, A replaced by G.
Protein change: p.Asn637Ser; replaces asparagine 637 with serine.
Molecular consequence: missense variant. On other transcripts: 5 prime UTR variant (1).
Genome position (GRCh38, 1-based): chr16:68,822,199, A>G. VCF-style: chr16-68822199-A-G. GRCh37 (hg19) VCF-style: chr16-68856102-A-G.
Other names: c.1727A>G, p.Asn576Ser (NM_001317184.2); c.362A>G, p.Asn121Ser (NM_001317185.2); c.-56A>G (NM_001317186.2); short protein forms N121S, N576S, N637S.
Identifiers: ClinVar variation 2822683 (VCV002822683.3), dbSNP rs755482251, ClinGen allele CA8130163.
Genomic context (GRCh38, chr16:68,822,199, plus strand): 5'-CAGACCTTCCTCCCAATACATCTCCCTTCACAGCAGAACTAACACACGGGGCGAGTGCCA[A>G]CTGGACCATTCAGTACAACGACCCAAGTGGGTACCTGAGTTTTATTTTGGCAACTTTGCT-3'
Protein context (NP_004351.1, residues 627-647): TAELTHGASA[Asn637Ser]WTIQYNDPTQ

ClinVar aggregate classification (germline): Uncertain significance (1 of 4 stars; one submission).

Conditions:
Hereditary diffuse gastric adenocarcinoma (HDGC). Also called: DIFFUSE GASTRIC AND LOBULAR BREAST CANCER SYNDROME. Identifiers: Orphanet 26106, MedGen C1708349, MONDO:0007648, OMIM 137215.

Allele frequency attached by ClinVar (database versions not stated): gnomAD exomes below 0.00001; ExAC 0.00001.
gnomAD v4.1: 1 of 1,614,068 alleles (0.000062%); highest among the groups gnomAD compares: Non-Finnish European, 0.000085%; no homozygotes.

Submission:

Labcorp Genetics (formerly Invitae), Labcorp
Classification: Uncertain significance for Hereditary diffuse gastric adenocarcinoma. Last evaluated: 2022-12-22. Review status: criteria provided, single submitter. Criteria: Invitae Variant Classification Sherloc (09022015). Collection method: clinical testing. Allele origin: germline.
Comment: In summary, the available evidence is currently insufficient to determine the role of this variant in disease. Therefore, it has been classified as a Variant of Uncertain Significance. Algorithms developed to predict the effect of missense changes on protein structure and function are either unavailable or do not agree on the potential impact of this missense change (SIFT: "Deleterious"; PolyPhen-2: "Benign"; Align-GVGD: "Class C45"). This variant has not been reported in the literature in individuals affected with CDH1-related conditions. This variant is present in population databases (rs755482251, gnomAD 0.0009%). This sequence change replaces asparagine, which is neutral and polar, with serine, which is neutral and polar, at codon 637 of the CDH1 protein (p.Asn637Ser).